The following is an entry in ClinVar:

ClinVar aggregate classification (germline): Uncertain significance (1 of 4 stars; one submission).

Conditions:
Hereditary cancer-predisposing syndrome. Also called: Hereditary neoplastic syndrome; Neoplastic Syndromes, Hereditary; Tumor predisposition; Hereditary Cancer Syndrome. Identifiers: Orphanet 140162, MedGen C0027672, MeSH D009386, MONDO:0015356.

Submission:

Ambry Genetics
Classification: Uncertain significance for Hereditary cancer-predisposing syndrome. Last evaluated: 2025-08-27. Review status: criteria provided, single submitter. Criteria: Ambry Variant Classification Scheme 2023. Collection method: clinical testing. Allele origin: germline.
Comment: The p.S166Y variant (also known as c.497C>A), located in coding exon 6 of the MUTYH gene, results from a C to A substitution at nucleotide position 497. The serine at codon 166 is replaced by tyrosine, an amino acid with dissimilar properties. This amino acid position is conserved. In addition, the in silico prediction for this alteration is inconclusive. Based on the available evidence, the clinical significance of this variant remains unclear.

NM_001048174.2(MUTYH):c.413C>A (p.Ser138Tyr)

Gene: MUTYH (mutY DNA glycosylase; minus strand). Cytogenetic location: 1p34.1.
Variant type: single nucleotide variant.
Coding change: c.413C>A on transcript NM_001048174.2 (MANE Select); coding-DNA position 413, C replaced by A.
Protein change: p.Ser138Tyr; replaces serine 138 with tyrosine.
Molecular consequence: missense variant. On other transcripts: non-coding transcript variant (6), intron variant (4).
Genome position (GRCh38, 1-based): chr1:45,332,925, G>T on the plus strand (C>A on the coding strand, the complement: MUTYH is on the minus strand). VCF-style: chr1-45332925-G-T. GRCh37 (hg19) VCF-style: chr1-45798597-G-T.
Other names: c.413C>A, p.Ser138Tyr (NM_001048171.2, NM_001048173.2, NM_001293195.2 and 5 more transcripts); c.416C>A, p.Ser139Tyr (NM_001048172.2, NM_001407071.1, NM_001407078.1 and 1 more transcripts); c.497C>A, p.Ser166Tyr (NM_001128425.2); c.458C>A, p.Ser153Tyr (NM_001293190.2); c.446C>A, p.Ser149Tyr (NM_001293191.2, NM_001407077.1); c.137C>A, p.Ser46Tyr (NM_001293192.2, NM_001293196.2, NM_001407091.1); c.68C>A, p.Ser23Tyr (NM_001350650.2, NM_001350651.2, NM_001407082.1); c.329C>A, p.Ser110Tyr (NM_001407075.1); and 7 more; short protein forms S139Y, S145Y, S166Y, S46Y, S138Y, S149Y, S152Y, S110Y.
Identifiers: ClinVar variation 4113697 (VCV004113697.1).